The following is an entry in ClinVar:

NM_006231.4(POLE):c.272G>C (p.Gly91Ala)

Gene: POLE (DNA polymerase epsilon, catalytic subunit; minus strand). Cytogenetic location: 12q24.33.
Variant type: single nucleotide variant.
Coding change: c.272G>C on transcript NM_006231.4 (MANE Select); coding-DNA position 272, G replaced by C.
Protein change: p.Gly91Ala; replaces glycine 91 with alanine.
Molecular consequence: missense variant.
Genome position (GRCh38, 1-based): chr12:132,680,620, C>G on the plus strand (G>C on the coding strand, the complement: POLE is on the minus strand). VCF-style: chr12-132680620-C-G. GRCh37 (hg19) VCF-style: chr12-133257206-C-G.
Other names: short protein forms G91A.
Identifiers: ClinVar variation 3935705 (VCV003935705.1).

ClinVar aggregate classification (germline): Uncertain significance (1 of 4 stars; one submission).

Conditions:
Hereditary cancer-predisposing syndrome. Also called: Tumor predisposition; Hereditary neoplastic syndrome; Hereditary Cancer Syndrome; Neoplastic Syndromes, Hereditary. Identifiers: Orphanet 140162, MedGen C0027672, MeSH D009386, MONDO:0015356.

Submission:

Ambry Genetics
Classification: Uncertain significance for Hereditary cancer-predisposing syndrome. Last evaluated: 2025-03-24. Review status: criteria provided, single submitter. Criteria: Ambry Variant Classification Scheme 2023. Collection method: clinical testing. Allele origin: germline.
Comment: The p.G91A variant (also known as c.272G>C), located in coding exon 3 of the POLE gene, results from a G to C substitution at nucleotide position 272. The glycine at codon 91 is replaced by alanine, an amino acid with similar properties. This amino acid position is conserved. In addition, the in silico prediction for this alteration is inconclusive. Based on the available evidence, the clinical significance of this variant remains unclear.